The following is an entry in ClinVar:

ClinVar aggregate classification (germline): Uncertain significance (1 of 4 stars; one submission).

Allele frequency attached by ClinVar (database versions not stated): gnomAD exomes below 0.00001; ExAC 0.00001; gnomAD 0.00001; TOPMed 0.00002.
gnomAD v4.1: 2 of 1,614,058 alleles (0.00012%); highest among the groups gnomAD compares: African/African-American, 0.0027%; no homozygotes.

Submission:

Ambry Genetics
Classification: Uncertain significance. Last evaluated: 2023-09-28. Review status: criteria provided, single submitter. Criteria: Ambry Variant Classification Scheme 2023. Collection method: clinical testing. Allele origin: germline.
Comment: The p.G124V variant (also known as c.371G>T), located in coding exon 3 of the ALPK2 gene, results from a G to T substitution at nucleotide position 371. The glycine at codon 124 is replaced by valine, an amino acid with dissimilar properties. This amino acid position is conserved. In addition, this alteration is predicted to be tolerated by in silico analysis. Since supporting evidence is limited at this time, the clinical significance of this alteration remains unclear.

NM_052947.4(ALPK2):c.371G>T (p.Gly124Val)

Gene: ALPK2 (alpha kinase 2; minus strand). Cytogenetic location: 18q21.31.
Variant type: single nucleotide variant.
Coding change: c.371G>T on transcript NM_052947.4 (MANE Select); coding-DNA position 371, G replaced by T.
Protein change: p.Gly124Val; replaces glycine 124 with valine.
Molecular consequence: missense variant.
Genome position (GRCh38, 1-based): chr18:58,580,405, C>A on the plus strand (G>T on the coding strand, the complement: ALPK2 is on the minus strand). VCF-style: chr18-58580405-C-A. GRCh37 (hg19) VCF-style: chr18-56247637-C-A.
Other names: short protein forms G124V.
Identifiers: ClinVar variation 1734280 (VCV001734280.2), dbSNP rs769026686, ClinGen allele CA8977461.